The following is an entry in ClinVar:

NM_001351132.2(PEX5):c.452C>G (p.Pro151Arg)

Gene: PEX5 (peroxisomal biogenesis factor 5; plus strand). Cytogenetic location: 12p13.31.
Variant type: single nucleotide variant.
Coding change: c.452C>G on transcript NM_001351132.2 (MANE Select); coding-DNA position 452, C replaced by G.
Protein change: p.Pro151Arg; replaces proline 151 with arginine.
Molecular consequence: missense variant.
Genome position (GRCh38, 1-based): chr12:7,199,014, C>G. VCF-style: chr12-7199014-C-G. GRCh37 (hg19) VCF-style: chr12-7351610-C-G.
Other names: c.452C>G, p.Pro151Arg (NM_000319.5, NM_001131024.2, NM_001131025.2 and 19 more transcripts); c.497C>G, p.Pro166Arg (NM_001131023.2, NM_001351135.3, NM_001351138.2); short protein forms P151R, P166R, P172R.
Identifiers: ClinVar variation 597182 (VCV000597182.15), dbSNP rs200720523, ClinGen allele CA6426144.

ClinVar aggregate classification (germline): Conflicting classifications of pathogenicity. Review status: criteria provided, conflicting classifications (1 of 4 stars). 5 submissions from 5 submitters: Uncertain significance (4); Likely benign (1). Last evaluated 2025-09-22.

Conditions:
PEX5-related disorder. Also called: PEX5-Related Disorders; PEX5-related condition.
Inborn genetic diseases. Identifiers: MedGen C0950123, MeSH D030342.
Peroxisome biogenesis disorder 2B (PBD2B). Identifiers: Orphanet 44, MedGen C3550234, MONDO:0008736, OMIM 202370.
Peroxisome biogenesis disorder 2A (Zellweger) (PBD2A). Also called: Cerebrohepatorenal syndrome, variant types. Identifiers: Orphanet 912, MedGen C3550273, MONDO:0008954, OMIM 214110.

Allele frequency attached by ClinVar (database versions not stated): gnomAD exomes 0.00011; ExAC 0.00013; TOPMed 0.00021; gnomAD 0.00022; 1000 Genomes Project 30x 0.00031; 1000 Genomes Project 0.00040.
gnomAD v4.1: 55 of 1,590,782 alleles (0.0035%); highest among the groups gnomAD compares: East Asian, 0.085%; no homozygotes.

Submissions (5):

PreventionGenetics, part of Exact Sciences
Classification: Likely benign for PEX5-related condition. Last evaluated: 2025-09-22. Review status: criteria provided, single submitter. Criteria: ACMG Guidelines, 2015. Collection method: clinical testing. Allele origin: germline.
Comment: This variant is classified as likely benign based on ACMG/AMP sequence variant interpretation guidelines (Richards et al. 2015 PMID: 25741868, with internal and published modifications).

Labcorp Genetics (formerly Invitae), Labcorp
Classification: Uncertain significance for Peroxisome biogenesis disorder 2B. Last evaluated: 2024-12-16. Review status: criteria provided, single submitter. Criteria: Invitae Variant Classification Sherloc (09022015). Collection method: clinical testing. Allele origin: germline.
Comment: This sequence change replaces proline, which is neutral and non-polar, with arginine, which is basic and polar, at codon 151 of the PEX5 protein (p.Pro151Arg). This variant is present in population databases (rs200720523, gnomAD 0.1%). This variant has not been reported in the literature in individuals affected with PEX5-related conditions. ClinVar contains an entry for this variant (Variation ID: 597182). An algorithm developed to predict the effect of missense changes on protein structure and function (PolyPhen-2) suggests that this variant¬†is likely to be tolerated. In summary, the available evidence is currently insufficient to determine the role of this variant in disease. Therefore, it has been classified as a Variant of Uncertain Significance.

Ambry Genetics
Classification: Uncertain significance for Inborn genetic diseases. Last evaluated: 2022-07-28. Review status: criteria provided, single submitter. Criteria: Ambry Variant Classification Scheme 2023. Collection method: clinical testing. Allele origin: germline.

Centre for Mendelian Genomics, University Medical Centre Ljubljana
Classification: Uncertain significance for Peroxisome biogenesis disorder 2A (Zellweger). Last evaluated: 2019-04-09. Review status: criteria provided, single submitter. Criteria: ACMG Guidelines, 2015. Collection method: clinical testing. Allele origin: unknown. Affected: yes.
Comment: This variant was classified as: Uncertain significance. The available evidence on this variant's pathogenicity is insufficient or conflicting. The following ACMG criteria were applied in classifying this variant: PM2,PP3.

Eurofins Ntd Llc (ga)
Classification: Uncertain significance. Last evaluated: 2018-05-10. Review status: criteria provided, single submitter. Criteria: EGL ClinVar v180209 classification definitions. Collection method: clinical testing. Allele origin: germline. Observed: 2 variant alleles, 2 heterozygotes.